The following is an entry in ClinVar:

NM_002691.4(POLD1):c.394G>T (p.Asp132Tyr)

Gene: POLD1 (DNA polymerase delta 1, catalytic subunit; plus strand). Cytogenetic location: 19q13.33.
Variant type: single nucleotide variant.
Coding change: c.394G>T on transcript NM_002691.4 (MANE Select); coding-DNA position 394, G replaced by T.
Protein change: p.Asp132Tyr; replaces aspartic acid 132 with tyrosine.
Molecular consequence: missense variant. On other transcripts: non-coding transcript variant (1).
Genome position (GRCh38, 1-based): chr19:50,401,855, G>T. VCF-style: chr19-50401855-G-T. GRCh37 (hg19) VCF-style: chr19-50905112-G-T.
Other names: c.394G>T, p.Asp132Tyr (NM_001256849.1, NM_001308632.1); short protein forms D132Y.
Identifiers: ClinVar variation 3421996 (VCV003421996.3).

ClinVar aggregate classification (germline): Uncertain significance. Review status: criteria provided, multiple submitters, no conflicts (2 of 4 stars). 2 submissions from 2 submitters: Uncertain significance (2). Last evaluated 2024-10-12.

Conditions:
POLD1-related polyposis and colorectal cancer syndrome (CRCS10). Also called: Colorectal cancer 10; COLORECTAL CANCER, SUSCEPTIBILITY TO, ON CHROMOSOME 19q; Colorectal cancer, susceptibility to, 10. Identifiers: Orphanet 220460, MedGen C2675481, MONDO:0012953, OMIM 612591.
Hereditary cancer-predisposing syndrome. Also called: Neoplastic Syndromes, Hereditary; Tumor predisposition; Hereditary Cancer Syndrome; Hereditary neoplastic syndrome. Identifiers: Orphanet 140162, MedGen C0027672, MeSH D009386, MONDO:0015356.

gnomAD v4.1: 2 of 1,613,950 alleles (0.00012%); highest among the groups gnomAD compares: East Asian, 0.0022%; no homozygotes.

Submissions (2):

Ambry Genetics
Classification: Uncertain significance for Hereditary cancer-predisposing syndrome. Last evaluated: 2024-10-12. Review status: criteria provided, single submitter. Criteria: Ambry Variant Classification Scheme 2023. Collection method: clinical testing. Allele origin: germline.
Comment: The p.D132Y variant (also known as c.394G>T), located in coding exon 3 of the POLD1 gene, results from a G to T substitution at nucleotide position 394. The aspartic acid at codon 132 is replaced by tyrosine, an amino acid with highly dissimilar properties. This amino acid position is conserved. In addition, this alteration is predicted to be tolerated by in silico analysis. Based on the available evidence, the clinical significance of this variant remains unclear.

Labcorp Genetics (formerly Invitae), Labcorp
Classification: Uncertain significance for POLD1-related polyposis and colorectal cancer syndrome. Last evaluated: 2024-04-07. Review status: criteria provided, single submitter. Criteria: Invitae Variant Classification Sherloc (09022015). Collection method: clinical testing. Allele origin: germline.
Comment: This sequence change replaces aspartic acid, which is acidic and polar, with tyrosine, which is neutral and polar, at codon 132 of the POLD1 protein (p.Asp132Tyr). This variant is not present in population databases (gnomAD no frequency). This variant has not been reported in the literature in individuals affected with POLD1-related conditions. Advanced modeling of protein sequence and biophysical properties (such as structural, functional, and spatial information, amino acid conservation, physicochemical variation, residue mobility, and thermodynamic stability) performed at Invitae indicates that this missense variant is not expected to disrupt POLD1 protein function with a negative predictive value of 80%. In summary, the available evidence is currently insufficient to determine the role of this variant in disease. Therefore, it has been classified as a Variant of Uncertain Significance.